The following is an entry in ClinVar:

ClinVar aggregate classification (germline): Likely benign (1 of 4 stars; one submission).

Submission:

Center for Pediatric Genomic Medicine, Children's Mercy Hospital and Clinics
Classification: Likely benign. Last evaluated: 2015-08-12. Review status: criteria provided, single submitter. Criteria: ACMG Guidelines, 2015. Collection method: clinical testing. Allele origin: germline.
ClinVar note: Converted during submission from Likely Benign to Likely benign.

NC_012920.1(MT-ND5):m.13485A>G

Gene: MT-ND5 (mitochondrially encoded NADH dehydrogenase 5; plus strand).
Variant type: single nucleotide variant.
Genome position: chrM-13485-A-G.
Identifiers: ClinVar variation 235555 (VCV000235555.3), dbSNP rs28359176, ClinGen allele CA10581355.